The following is an entry in ClinVar:

NM_002474.3(MYH11):c.2758C>G (p.Leu920Val)

Gene: MYH11 (myosin heavy chain 11; minus strand). Cytogenetic location: 16p13.11.
Variant type: single nucleotide variant.
Coding change: c.2758C>G on transcript NM_002474.3 (MANE Select); coding-DNA position 2758, C replaced by G.
Protein change: p.Leu920Val; replaces leucine 920 with valine.
Molecular consequence: missense variant.
Genome position (GRCh38, 1-based): chr16:15,741,564, G>C on the plus strand (C>G on the coding strand, the complement: MYH11 is on the minus strand). VCF-style: chr16-15741564-G-C. GRCh37 (hg19) VCF-style: chr16-15835421-G-C.
Other names: c.2779C>G, p.Leu927Val (NM_001040113.2, NM_001040114.2); c.2758C>G, p.Leu920Val (NM_022844.3); short protein forms L920V, L927V.
Identifiers: ClinVar variation 3711524 (VCV003711524.2).

ClinVar aggregate classification (germline): Uncertain significance (1 of 4 stars; one submission).

Conditions:
Aortic aneurysm, familial thoracic 4 (AAT4). Also called: AORTIC ANEURYSM/AORTIC DISSECTION AND PATENT DUCTUS ARTERIOSUS. Identifiers: MedGen C1851504, MONDO:0007568, OMIM 132900.

gnomAD v4.1: 1 of 1,611,406 alleles (0.000062%); highest among the groups gnomAD compares: Non-Finnish European, 0.000085%; no homozygotes.

Submission:

Labcorp Genetics (formerly Invitae), Labcorp
Classification: Uncertain significance for Aortic aneurysm, familial thoracic 4. Last evaluated: 2024-09-12. Review status: criteria provided, single submitter. Criteria: Invitae Variant Classification Sherloc (09022015). Collection method: clinical testing. Allele origin: germline.
Comment: This sequence change replaces leucine, which is neutral and non-polar, with valine, which is neutral and non-polar, at codon 927 of the MYH11 protein (p.Leu927Val). This variant is not present in population databases (gnomAD no frequency). This variant has not been reported in the literature in individuals affected with MYH11-related conditions. Invitae Evidence Modeling of protein sequence and biophysical properties (such as structural, functional, and spatial information, amino acid conservation, physicochemical variation, residue mobility, and thermodynamic stability) indicates that this missense variant is not expected to disrupt MYH11 protein function with a negative predictive value of 95%. In summary, the available evidence is currently insufficient to determine the role of this variant in disease. Therefore, it has been classified as a Variant of Uncertain Significance.